The following is an entry in ClinVar:

ClinVar aggregate classification (germline): Uncertain significance (1 of 4 stars; one submission).

Allele frequency attached by ClinVar (database versions not stated): gnomAD exomes below 0.00001.
gnomAD v4.1: 1 of 1,614,216 alleles (0.000062%); highest among the groups gnomAD compares: Admixed American, 0.0017%; no homozygotes.

Submission:

Labcorp Genetics (formerly Invitae), Labcorp
Classification: Uncertain significance. Last evaluated: 2021-08-26. Review status: criteria provided, single submitter. Criteria: Invitae Variant Classification Sherloc (09022015). Collection method: clinical testing. Allele origin: germline.
Comment: This sequence change replaces serine with asparagine at codon 629 of the EIF2B5 protein (p.Ser629Asn). The serine residue is weakly conserved and there is a small physicochemical difference between serine and asparagine. This variant is not present in population databases (ExAC no frequency). This variant has not been reported in the literature in individuals affected with EIF2B5-related conditions. Advanced modeling of protein sequence and biophysical properties (such as structural, functional, and spatial information, amino acid conservation, physicochemical variation, residue mobility, and thermodynamic stability) performed at Invitae indicates that this missense variant is not expected to disrupt EIF2B5 protein function. In summary, the available evidence is currently insufficient to determine the role of this variant in disease. Therefore, it has been classified as a Variant of Uncertain Significance.

NM_003907.3(EIF2B5):c.1886G>A (p.Ser629Asn)

Gene: EIF2B5 (eukaryotic translation initiation factor 2B subunit epsilon; plus strand). Cytogenetic location: 3q27.1.
Variant type: single nucleotide variant.
Coding change: c.1886G>A on transcript NM_003907.3 (MANE Select); coding-DNA position 1886, G replaced by A.
Protein change: p.Ser629Asn; replaces serine 629 with asparagine.
Molecular consequence: missense variant.
Genome position (GRCh38, 1-based): chr3:184,144,115, G>A. VCF-style: chr3-184144115-G-A. GRCh37 (hg19) VCF-style: chr3-183861903-G-A.
Other names: short protein forms S629N.
Identifiers: ClinVar variation 1515876 (VCV001515876.5), dbSNP rs1249963031, ClinGen allele CA355394012.